The following is an entry in ClinVar:

NM_024577.4(SH3TC2):c.758G>C (p.Ser253Thr)

Gene: SH3TC2 (SH3 domain and tetratricopeptide repeats 2; minus strand). Cytogenetic location: 5q32.
Variant type: single nucleotide variant.
Coding change: c.758G>C on transcript NM_024577.4 (MANE Select); coding-DNA position 758, G replaced by C.
Protein change: p.Ser253Thr; replaces serine 253 with threonine.
Molecular consequence: missense variant.
Genome position (GRCh38, 1-based): chr5:149,040,651, C>G on the plus strand (G>C on the coding strand, the complement: SH3TC2 is on the minus strand). VCF-style: chr5-149040651-C-G. GRCh37 (hg19) VCF-style: chr5-148420214-C-G.
Other names: short protein forms S253T.
Identifiers: ClinVar variation 1369852 (VCV001369852.6), dbSNP rs2127400485, ClinGen allele CA361674036.
Genomic context (GRCh38, chr5:149,040,651, plus strand): 5'-GACTCAGCCATACCAATCTGATAGGAGCCTGTCCAATCCCTCTTCCTGGAAAGGCCACAG[C>G]TTCCTGGATAATTCTTTAGGAACCACCTGCCAATGAAAACATGGGGTTTGCAAACACAGA-3'
Protein context (NP_078853.2, residues 243-263): HQWFLKNYPG[Ser253Thr]CGLSRKRDWT

ClinVar aggregate classification (germline): Uncertain significance (1 of 4 stars; one submission).

Conditions:
Charcot-Marie-Tooth disease type 4. Also called: Charcot-Marie-Tooth disease, type IV; Charcot-Marie-Tooth, Type 4. Identifiers: Orphanet 64749, MedGen C4082197, MONDO:0018995.

Submission:

Labcorp Genetics (formerly Invitae), Labcorp
Classification: Uncertain significance for Charcot-Marie-Tooth disease type 4. Last evaluated: 2022-06-13. Review status: criteria provided, single submitter. Criteria: Invitae Variant Classification Sherloc (09022015). Collection method: clinical testing. Allele origin: germline.
Comment: In summary, the available evidence is currently insufficient to determine the role of this variant in disease. Therefore, it has been classified as a Variant of Uncertain Significance. Advanced modeling of protein sequence and biophysical properties (such as structural, functional, and spatial information, amino acid conservation, physicochemical variation, residue mobility, and thermodynamic stability) performed at Invitae indicates that this missense variant is not expected to disrupt SH3TC2 protein function. This variant has not been reported in the literature in individuals affected with SH3TC2-related conditions. This variant is not present in population databases (gnomAD no frequency). This sequence change replaces serine, which is neutral and polar, with threonine, which is neutral and polar, at codon 253 of the SH3TC2 protein (p.Ser253Thr).